The following is an entry in ClinVar:

ClinVar aggregate classification (germline): Uncertain significance (1 of 4 stars; one submission).

gnomAD v4.1: 2 of 1,613,434 alleles (0.00012%); highest among the groups gnomAD compares: Non-Finnish European, 0.00017%; no homozygotes.

Submission:

Labcorp Genetics (formerly Invitae), Labcorp
Classification: Uncertain significance. Last evaluated: 2025-07-27. Review status: criteria provided, single submitter. Criteria: Invitae Variant Classification Sherloc (09022015). Collection method: clinical testing. Allele origin: germline.
Comment: This sequence change replaces alanine, which is neutral and non-polar, with threonine, which is neutral and polar, at codon 628 of the IL12RB2 protein (p.Ala628Thr). This variant is not present in population databases (gnomAD no frequency). This variant has not been reported in the literature in individuals affected with IL12RB2-related conditions. An algorithm developed to predict the effect of missense changes on protein structure and function (PolyPhen-2) suggests that this variant is likely to be tolerated. In summary, the available evidence is currently insufficient to determine the role of this variant in disease. Therefore, it has been classified as a Variant of Uncertain Significance.

NM_001374259.2(IL12RB2):c.1882G>A (p.Ala628Thr)

Gene: IL12RB2 (interleukin 12 receptor subunit beta 2; plus strand). Cytogenetic location: 1p31.3.
Variant type: single nucleotide variant.
Coding change: c.1882G>A on transcript NM_001374259.2 (MANE Select); coding-DNA position 1882, G replaced by A.
Protein change: p.Ala628Thr; replaces alanine 628 with threonine.
Molecular consequence: missense variant. On other transcripts: non-coding transcript variant (1), intron variant (1).
Genome position (GRCh38, 1-based): chr1:67,386,605, G>A. VCF-style: chr1-67386605-G-A. GRCh37 (hg19) VCF-style: chr1-67852288-G-A.
Other names: c.1882G>A, p.Ala628Thr (NM_001258214.1, NM_001319233.1, NM_001559.3); c.1624G>A, p.Ala542Thr (NM_001258215.1); c.1855+6482G>A (NM_001258216.1); short protein forms A628T, A542T.
Identifiers: ClinVar variation 4697231 (VCV004697231.1).